The following is an entry in ClinVar:

ClinVar aggregate classification (germline): Uncertain significance (1 of 4 stars; one submission).

Conditions:
Cardiovascular phenotype. Identifiers: MedGen CN230736.

gnomAD v4.1: 2 of 1,612,550 alleles (0.00012%); highest among the groups gnomAD compares: Non-Finnish European, 0.00017%; no homozygotes.

Submission:

Ambry Genetics
Classification: Uncertain significance for Cardiovascular phenotype. Last evaluated: 2025-06-15. Review status: criteria provided, single submitter. Criteria: Ambry Variant Classification Scheme 2023. Collection method: clinical testing. Allele origin: germline.
Comment: The p.A321S variant (also known as c.961G>T), located in coding exon 7 of the LMF1 gene, results from a G to T substitution at nucleotide position 961. The alanine at codon 321 is replaced by serine, an amino acid with similar properties. This amino acid position is conserved. In addition, this alteration is predicted to be tolerated by in silico analysis. Based on the available evidence, the clinical significance of this variant remains unclear.

NM_022773.4(LMF1):c.961G>T (p.Ala321Ser)

Gene: LMF1 (lipase maturation factor 1; minus strand). Cytogenetic location: 16p13.3.
Variant type: single nucleotide variant.
Coding change: c.961G>T on transcript NM_022773.4 (MANE Select); coding-DNA position 961, G replaced by T.
Protein change: p.Ala321Ser; replaces alanine 321 with serine.
Molecular consequence: missense variant. On other transcripts: non-coding transcript variant (1).
Genome position (GRCh38, 1-based): chr16:871,278, C>A on the plus strand (G>T on the coding strand, the complement: LMF1 is on the minus strand). VCF-style: chr16-871278-C-A. GRCh37 (hg19) VCF-style: chr16-921278-C-A.
Other names: c.310G>T, p.Ala104Ser (NM_001352017.2, NM_001352021.2); c.562G>T, p.Ala188Ser (NM_001352018.2); c.634G>T, p.Ala212Ser (NM_001352019.2); c.961G>T, p.Ala321Ser (NM_001352020.1); short protein forms A212S, A104S, A188S, A321S.
Identifiers: ClinVar variation 4098515 (VCV004098515.1).